The following is an entry in ClinVar:

ClinVar aggregate classification (germline): Pathogenic (0 of 4 stars; one submission).

Conditions:
Paroxysmal nocturnal hemoglobinuria 1 (PNH1). Identifiers: Orphanet 447, MedGen C3806670, MONDO:0010438, OMIM 300818.

Submission:

GeneReviews
Classification: Pathogenic for Dyskeratosis Congenita. Last evaluated: 2012-05-10. Review status: no assertion criteria provided. Collection method: curation. Allele origin: unknown.
ClinVar note: Converted during submission from pathologic to Pathogenic.

NC_000003.12:g.169765160G>C

Gene: LOC110806306 (telomerase RNA component (TERC) promoter; plus strand). Cytogenetic location: 3q26.2.
Variant type: single nucleotide variant.
Genome position: GRCh38 VCF-style: chr3-169765160-G-C. GRCh37 (hg19) VCF-style: chr3-169482948-G-C.
Other names: NR_001566.1:(C-99G).
Identifiers: ClinVar variation 41400 (VCV000041400.3), dbSNP rs199422256, ClinGen allele CA344464.